The following is an entry in ClinVar:

ClinVar aggregate classification (germline): Uncertain significance (1 of 4 stars; one submission).

Conditions:
Inborn genetic diseases. Identifiers: MedGen C0950123, MeSH D030342.

gnomAD v4.1: 1 of 1,613,718 alleles (0.000062%); highest among the groups gnomAD compares: East Asian, 0.0022%; no homozygotes.

Submission:

Ambry Genetics
Classification: Uncertain significance for Inborn genetic diseases. Last evaluated: 2024-10-23. Review status: criteria provided, single submitter. Criteria: Ambry Variant Classification Scheme 2023. Collection method: clinical testing. Allele origin: germline.
Comment: The p.A2165T variant (also known as c.6493G>A), located in coding exon 38 of the ATR gene, results from a G to A substitution at nucleotide position 6493. The alanine at codon 2165 is replaced by threonine, an amino acid with similar properties. This amino acid position is conserved. In addition, this alteration is predicted to be tolerated by in silico analysis. Based on the available evidence, the clinical significance of this variant remains unclear.

NM_001184.4(ATR):c.6493G>A (p.Ala2165Thr)

Gene: ATR (ATR serine/threonine kinase; minus strand). Cytogenetic location: 3q23.
Variant type: single nucleotide variant.
Coding change: c.6493G>A on transcript NM_001184.4 (MANE Select); coding-DNA position 6493, G replaced by A.
Protein change: p.Ala2165Thr; replaces alanine 2165 with threonine.
Molecular consequence: missense variant.
Genome position (GRCh38, 1-based): chr3:142,469,396, C>T on the plus strand (G>A on the coding strand, the complement: ATR is on the minus strand). VCF-style: chr3-142469396-C-T. GRCh37 (hg19) VCF-style: chr3-142188238-C-T.
Other names: c.6301G>A, p.Ala2101Thr (NM_001354579.2); short protein forms A2101T, A2165T.
Identifiers: ClinVar variation 3461680 (VCV003461680.1).